The following continues an entry in ClinVar:

NM_007294.4(BRCA1):c.107C>A (p.Ser36Tyr)

Gene: BRCA1. ClinVar aggregate classification (germline): Conflicting classifications of pathogenicity. Uncertain significance (14); Benign (1); Likely benign (1).

Submissions 9 to 16 of 16:

All of Us Research Program, National Institutes of Health
Classification: Uncertain significance for BRCA1-related cancer predisposition. Last evaluated: 2024-09-23. Review status: criteria provided, single submitter. Criteria: ACMG Guidelines, 2015. Collection method: clinical testing. Allele origin: germline. Inheritance: Autosomal dominant inheritance. Observed: 1 variant allele, 1 heterozygote.
Comment: This missense variant replaces serine with tyrosine at codon 36 of the BRCA1 protein. Computational prediction suggests that this variant may have deleterious impact on protein structure and function (internally defined REVEL score threshold >= 0.7, PMID: 27666373). Functional studies have reported conflicting impact of this variant protein on ubiquitin conjugation, as two studies have found subcellular mislocalization from the nucleus to the cytoplasm and impaired interaction with a ubiquitin ligation protein (PMID: 24695549, 30696104) while a ubiquitin ligase assay found the variant protein to have near wild-type activity (PMID: 25823446). This variant has been reported in individuals affected with breast and/or ovarian cancer (PMID: 24695549, 27882536). This variant has also been identified in 1/250860 chromosomes in the general population by the Genome Aggregation Database (gnomAD). The available evidence is insufficient to determine the role of this variant in disease conclusively. Therefore, this variant is classified as a Variant of Uncertain Significance.

This study involves interpretation of variants in research participants for the purpose of population health screening. Participant phenotype was not available at the time of variant classification. Additional details can be found in publication PMID: 35346344, PMCID: PMC8962531

Color Diagnostics, LLC DBA Color Health
Classification: Likely benign for Hereditary cancer-predisposing syndrome. Last evaluated: 2024-09-16. Review status: criteria provided, single submitter. Criteria: ACMG Guidelines, 2015. Collection method: clinical testing. Allele origin: germline.

Blueprint Genetics
Classification: Uncertain significance. Last evaluated: 2024-08-23. Review status: criteria provided, single submitter. Criteria: ACMG Guidelines, 2015. Collection method: clinical testing. Allele origin: germline.

Baylor Genetics
Classification: Uncertain significance for Breast-ovarian cancer, familial, susceptibility to, 1. Last evaluated: 2024-01-16. Review status: criteria provided, single submitter. Criteria: ACMG Guidelines, 2015. Collection method: clinical testing. Allele origin: unknown.

St. Jude Molecular Pathology, St. Jude Children's Research Hospital
Classification: Uncertain significance for Breast-ovarian cancer, familial, susceptibility to, 1. Last evaluated: 2023-06-26. Review status: criteria provided, single submitter. Criteria: St. Jude Assertion Criteria 2020. Collection method: clinical testing. Allele origin: germline.
Comment: The BRCA1 c.107C>A (p.Ser36Tyr) missense change has a maximum subpopulation frequency of 0.00088% in gnomAD v2.1.1. This variant has been identified in individuals with a personal and/or family history of breast and/or ovarian cancer (PMID: 27882536, 30675319). It was found to be associated with increased breast cancer risk in a small case-control study of 1174 cases and 1109 controls in the Cypriot population (OR = 3.47) (PMID: 20727220, 24695549). This variant is absent in the FLOSSIES database which contains genetic variants from women older than 70 years of age who have never had cancer. The in silico tool REVEL predicts a deleterious effect on protein function, however functional assays are not in agreement about the impact of this variant. In a functional study where the mutant was transfected into a cell line, the p.Ser36Tyr variant exhibited low protein expression, cellular mislocalization to the cytoplasm, and impaired interaction with BARD1 (PMID: 24695549). A massively parallel functional analysis measuring E3 ubiquitin ligase activity and BARD1 binding indicated that this variant behaves similar to the wild-type (PMID: 25823446). Finally, cisplatin and olaparib sensitivity assays and homologous recombination DNA repair assays indicated that this variant behaved similar to the wild-type (PMID: 32546644). In summary, the evidence currently available is insufficient to determine the clinical significance of this variant. It has therefore been classified as of uncertain significance.

Revvity Omics, Revvity
Classification: Uncertain significance. Last evaluated: 2023-02-17. Review status: criteria provided, single submitter. Criteria: ACMG Guidelines, 2015. Collection method: clinical testing. Allele origin: germline.

GeneDx
Classification: Uncertain significance. Last evaluated: 2019-08-08. Review status: criteria provided, single submitter. Criteria: GeneDx Variant Classification Process June 2021. Collection method: clinical testing. Allele origin: germline. Affected: yes.
Comment: Not observed at a significant frequency in large population cohorts (Lek et al., 2016); In silico analysis, which includes protein predictors and evolutionary conservation, supports a deleterious effect; This variant is associated with the following publications: (PMID: 21735045, 30675319, 24695549, 26689913, 25823446, 27882536, 30696104)

Mendelics
Classification: Uncertain significance for Breast-ovarian cancer, familial, susceptibility to, 1. Last evaluated: 2019-05-28. Review status: criteria provided, single submitter. Criteria: Mendelics Assertion Criteria 2017. Collection method: clinical testing. Allele origin: unknown.

Literature cited by the submitters: PubMed 24695549 (cited by 5 submitters); PubMed 25823446 (cited by 4 submitters); PubMed 32546644 (cited by 4 submitters); PubMed 35659930 (cited by 3 submitters); PubMed 21735045 (cited by 3 submitters); PubMed 30675319 (cited by 4 submitters); PubMed 26689913 (cited by 3 submitters); PubMed 30696104 (cited by 4 submitters); PubMed 20727220 (cited by Ambry Genetics); PubMed 33471991 (cited by Department of Pathology and Laboratory Medicine, Sinai Health System); PubMed 27882536 (cited by All of Us Research Program, National Institutes of Health).